The following is an entry in ClinVar:

ClinVar aggregate classification (germline): Benign (1 of 4 stars; one submission).

Submission:

Unidad de Genómica Garrahan, Hospital de Pediatría Garrahan
Classification: Benign. Last evaluated: 2023-11-14. Review status: criteria provided, single submitter. Criteria: ACMG Guidelines, 2015. Collection method: clinical testing. Allele origin: germline. Affected: no. Observed: 23 variant alleles.
Comment: This variant is classified as Benign based on local population frequency. This variant was detected in 24% of patients studied by a panel of primary immunodeficiencies. Number of patients: 23. Only high quality variants are reported.

NM_014314.4(RIGI):c.2482-76_2482-75insTTTTCT

Gene: RIGI (RNA sensor RIG-I; minus strand). Cytogenetic location: 9p21.1.
Variant type: Microsatellite.
Coding change: c.2482-76_2482-75insTTTTCT on transcript NM_014314.4 (MANE Select); 76 bases into the intron before coding-DNA position 2482 through 75 bases into the intron before coding-DNA position 2482, TTTTCT inserted.
Molecular consequence: intron variant.
Genome position: GRCh38 VCF-style: chr9-32457493-A-AAAAAAG. GRCh37 (hg19) VCF-style: chr9-32457491-A-AAAAAAG.
Other names: c.1873-76_1873-75insTTTTCT (NM_001385912.1); c.2467-76_2467-75insTTTTCT (NM_001385913.1); c.2476-76_2476-75insTTTTCT (NM_001385907.1); c.2311-76_2311-75insTTTTCT (NM_001385909.1); c.2038-76_2038-75insTTTTCT (NM_001385914.1); c.2041-76_2041-75insTTTTCT (NM_001385910.1).
Identifiers: ClinVar variation 2637887 (VCV002637887.2), dbSNP rs1554665522, ClinGen allele CA192350534.